The following is an entry in ClinVar:

NM_005902.4(SMAD3):c.1166_1167del (p.Val389fs)

Gene: SMAD3 (SMAD family member 3; plus strand). Cytogenetic location: 15q22.33.
Variant type: Microsatellite.
Coding change: c.1166_1167del on transcript NM_005902.4 (MANE Select); coding-DNA positions 1166 to 1167, 2 bases deleted (TG; older notation c.1166_1167delTG).
Protein change: p.Val389fs; shifts the reading frame from valine 389.
Molecular consequence: frameshift variant.
Genome position (GRCh38, 1-based): chr15:67,190,424-67,190,425, TG deleted; deleting any 2 consecutive bases within chr15:67,190,422-67,190,425 gives the same sequence; the c. name uses the placement nearest the transcript's 3' end. VCF-style (leftmost placement, unchanged base first): chr15-67190421-CTG-C. GRCh37 (hg19) VCF-style: chr15-67482759-CTG-C.
Other names: c.851_852del, p.Val284fs (NM_001145102.2); c.1034_1035del, p.Val345fs (NM_001145103.2); c.581_582del, p.Val194fs (NM_001145104.2); c.1166_1167delTG (NM_005902.3); short protein forms V345fs, V194fs, V284fs, V389fs.
Identifiers: ClinVar variation 662651 (VCV000662651.12), dbSNP rs1595965925, ClinGen allele CA915946048.

ClinVar aggregate classification (germline): Pathogenic/Likely pathogenic. Review status: criteria provided, multiple submitters, no conflicts (2 of 4 stars). 3 submissions from 3 submitters: Pathogenic (2); Likely pathogenic (1). Last evaluated 2021-03-22.

Conditions:
Familial thoracic aortic aneurysm and aortic dissection (TAAD). Also called: Thoracic aortic aneurysms and dissections. Identifiers: Orphanet 91387, MedGen C4707243, MONDO:0019625.

Submissions (3):

Color Diagnostics, LLC DBA Color Health
Classification: Likely pathogenic for Familial thoracic aortic aneurysm and aortic dissection. Last evaluated: 2021-03-22. Review status: criteria provided, single submitter. Criteria: ACMG Guidelines, 2015. Collection method: clinical testing. Allele origin: germline.
Comment: This variant deletes 2 nucleotides in the last coding exon 9 of the SMAD3 gene, creating a frameshift and premature translation stop signal. This mutant transcript is expected to escape nonsense-mediated decay and be expressed as a truncated protein with the last 37 amino acids from the C-terminus of the SMAD3 protein replaced with 7 novel amino acids. The impacted C-terminal region encodes the functionally important MH2 domain that plays an important role in protein-protein interactions (PMID: 21949838, 32210029). Especially, disrupting the conserved, last 4 amino acids of the SMAD3 protein (Ser-Ser-X-Ser motif at codons 422-425) has been shown to reduce TGF-beta-induced phosphorylation and affect downstream signal transduction and subsequent transcriptional regulation of target genes (PMID: 9380693, 14678987). Although functional studies have not been reported for this variant, it is expected to result in a non-functional protein product. This variant has not been identified in the general population by the Genome Aggregation Database (gnomAD). Multiple different truncation variants occurring downstream of this variant have been reported in individuals affected with SMAD3-related disorders (PMID: 23554019; ClinVar variation ID: 952222, 653070). Loss of SMAD3 function is a known mechanism of disease. Based on the available evidence, this variant is classified as Likely Pathogenic.

Labcorp Genetics (formerly Invitae), Labcorp
Classification: Pathogenic for Familial thoracic aortic aneurysm and aortic dissection. Last evaluated: 2020-11-30. Review status: criteria provided, single submitter. Criteria: Invitae Variant Classification Sherloc (09022015). Collection method: clinical testing. Allele origin: germline.
Comment: This variant has been observed in individual(s) with SMAD3-related conditions (PMID: 30661052). ClinVar contains an entry for this variant (Variation ID: 662651). This variant is not present in population databases (ExAC no frequency). This sequence change creates a premature translational stop signal (p.Val389Aspfs*8) in the SMAD3 gene. While this is not anticipated to result in nonsense mediated decay, it is expected to disrupt the last 37 amino acid(s) of the SMAD3 protein. This variant disrupts the C-terminus of the SMAD3 protein. Other variant(s) that disrupt this region (p.Ser391Alafs*7) have been determined to be pathogenic (PMID: 23554019). This suggests that variants that disrupt this region of the protein are likely to be causative of disease. For these reasons, this variant has been classified as Pathogenic.

Ambry Genetics
Classification: Pathogenic for Familial thoracic aortic aneurysm and aortic dissection. Last evaluated: 2018-10-31. Review status: criteria provided, single submitter. Criteria: Ambry Variant Classification Scheme 2023. Collection method: clinical testing. Allele origin: germline.
Comment: The c.1166_1167delTG variant, located in coding exon 9 of the SMAD3 gene, results from a deletion of two nucleotides at nucleotide positions 1166 to 1167, causing a translational frameshift with a predicted alternate stop codon (p.V389Dfs*8). Although this frameshift occurs at the 3' terminus of SMAD3, and is not expected to trigger nonsense-mediated mRNA decay, it impacts the last 37 amino acids of the protein,which are part of the MH2 domain. Frameshifts are typically deleterious in nature, and the MH2 domain is involved in the oligomerization of the SMAD3/SMAD4 complex (Chacko BM et al. Nat. Struct. Biol., 2001 Mar;8:248-53). As such, this alteration is interpreted as a disease-causing mutation.

Literature cited by the submitters: PubMed 30661052 (cited by Labcorp Genetics (formerly Invitae), Labcorp); PubMed 23554019 (cited by Labcorp Genetics (formerly Invitae), Labcorp); PubMed 11224571 (cited by Ambry Genetics).